The following is an entry in ClinVar:

NM_018245.3(OGDHL):c.103G>A (p.Gly35Arg)

Gene: OGDHL (oxoglutarate dehydrogenase L; minus strand). Cytogenetic location: 10q11.23.
Variant type: single nucleotide variant.
Coding change: c.103G>A on transcript NM_018245.3 (MANE Select); coding-DNA position 103, G replaced by A.
Protein change: p.Gly35Arg; replaces glycine 35 with arginine.
Molecular consequence: missense variant. On other transcripts: 5 prime UTR variant (3), non-coding transcript variant (4), intron variant (2).
Genome position (GRCh38, 1-based): chr10:49,758,490, C>T on the plus strand (G>A on the coding strand, the complement: OGDHL is on the minus strand). VCF-style: chr10-49758490-C-T. GRCh37 (hg19) VCF-style: chr10-50966536-C-T.
Other names: c.103G>A, p.Gly35Arg (NM_001143996.2, NM_001347819.1, NM_001347820.1 and 2 more transcripts); c.-836G>A (NM_001347821.2, NM_001347825.2); c.-824G>A (NM_001347826.1); c.-253+3843G>A (NM_001347822.1); c.-253+3749G>A (NM_001143997.2); c.103G>A (NM_018245.2); short protein forms G35R.
Identifiers: ClinVar variation 2640463 (VCV002640463.25), dbSNP rs751643938, ClinGen allele CA5499050.

ClinVar aggregate classification (germline): Conflicting classifications of pathogenicity. Review status: criteria provided, conflicting classifications (1 of 4 stars). 3 submissions from 3 submitters: Uncertain significance (2); Likely benign (1). Last evaluated 2025-01-31.

Conditions:
Inborn genetic diseases. Identifiers: MedGen C0950123, MeSH D030342.
Yoon-Bellen neurodevelopmental syndrome (YOBELN). Identifiers: MedGen C5562066, MONDO:0859221, OMIM 619701.

Allele frequency attached by ClinVar (database versions not stated): TOPMed 0.00002; gnomAD 0.00003; ExAC 0.00004.
gnomAD v4.1: 44 of 1,613,848 alleles (0.0027%); highest among the groups gnomAD compares: Middle Eastern, 0.049%; no homozygotes.

Submissions (3):

Ambry Genetics
Classification: Uncertain significance for Inborn genetic diseases. Last evaluated: 2025-01-31. Review status: criteria provided, single submitter. Criteria: Ambry Variant Classification Scheme 2023. Collection method: clinical testing. Allele origin: germline.

Neuberg Centre For Genomic Medicine, NCGM
Classification: Uncertain significance for Yoon-Bellen neurodevelopmental syndrome. Last evaluated: 2024-02-01. Review status: criteria provided, single submitter. Criteria: ACMG Guidelines, 2015. Collection method: clinical testing. Allele origin: germline. Inheritance: Autosomal recessive inheritance.

CeGaT Center for Human Genetics Tuebingen
Classification: Likely benign. Last evaluated: 2023-01-01. Review status: criteria provided, single submitter. Criteria: CeGaT Center For Human Genetics Tuebingen Variant Classification Criteria Version 2. Collection method: clinical testing. Allele origin: germline. Affected: yes. Observed: 1 variant allele.
Comment: OGDHL: BP4